The following is an entry in ClinVar:

NM_153240.5(NPHP3):c.2985C>G (p.Tyr995Ter)

Genes: NPHP3 (nephrocystin 3; minus strand), NPHP3-ACAD11 (NPHP3-ACAD11 readthrough (NMD candidate); minus strand). Cytogenetic location: 3q22.1.
Variant type: single nucleotide variant.
Coding change: c.2985C>G on transcript NM_153240.5 (MANE Select); coding-DNA position 2985, C replaced by G.
Protein change: p.Tyr995Ter; replaces tyrosine 995 with a stop codon.
Molecular consequence: nonsense. On other transcripts: non-coding transcript variant (1).
Genome position (GRCh38, 1-based): chr3:132,688,790, G>C on the plus strand (C>G on the coding strand, the complement: NPHP3 is on the minus strand). VCF-style: chr3-132688790-G-C. GRCh37 (hg19) VCF-style: chr3-132407634-G-C.
Other names: short protein forms Y995*.
Identifiers: ClinVar variation 1410318 (VCV001410318.6), dbSNP rs777768843, ClinGen allele CA354580033.

ClinVar aggregate classification (germline): Pathogenic (1 of 4 stars; one submission).

Conditions:
Nephronophthisis. Also called: Juvenile Nephronophthisis. Identifiers: Orphanet 655, MedGen C0687120, MONDO:0019005, HP:0000090.

gnomAD v4.1: 1 of 1,613,888 alleles (0.000062%); highest among the groups gnomAD compares: Non-Finnish European, 0.000085%; no homozygotes.

Submission:

Labcorp Genetics (formerly Invitae), Labcorp
Classification: Pathogenic for Nephronophthisis. Last evaluated: 2021-04-02. Review status: criteria provided, single submitter. Criteria: Invitae Variant Classification Sherloc (09022015). Collection method: clinical testing. Allele origin: germline.
Comment: For these reasons, this variant has been classified as Pathogenic. This variant has not been reported in the literature in individuals with NPHP3-related conditions. This variant is not present in population databases (ExAC no frequency). This sequence change creates a premature translational stop signal (p.Tyr995*) in the NPHP3 gene. It is expected to result in an absent or disrupted protein product. Loss-of-function variants in NPHP3 are known to be pathogenic (PMID: 18371931, 23559409).

Literature cited by the submitters: PubMed 18371931; PubMed 23559409.